The following is an entry in ClinVar:

ClinVar aggregate classification (germline): Uncertain significance (1 of 4 stars; one submission).

Conditions:
Congenital disorder of deglycosylation (CDDG). Identifiers: MedGen C3808991, MONDO:0031376.

Allele frequency attached by ClinVar (database versions not stated): gnomAD exomes 0.00001 and 0.00002; ExAC 0.00002; TOPMed 0.00003; gnomAD 0.00004; ESP Exome Variant Server 0.00008.
gnomAD v4.1: 10 of 1,613,524 alleles (0.00062%); highest among the groups gnomAD compares: African/African-American, 0.013%; no homozygotes.

Submission:

Labcorp Genetics (formerly Invitae), Labcorp
Classification: Uncertain significance for Congenital disorder of deglycosylation. Last evaluated: 2021-09-01. Review status: criteria provided, single submitter. Criteria: Invitae Variant Classification Sherloc (09022015). Collection method: clinical testing. Allele origin: germline.
Comment: This sequence change replaces glutamine with arginine at codon 435 of the NGLY1 protein (p.Gln435Arg). The glutamine residue is moderately conserved and there is a small physicochemical difference between glutamine and arginine. This variant is present in population databases (rs372323207, ExAC 0.02%). This variant has not been reported in the literature in individuals affected with NGLY1-related conditions. Algorithms developed to predict the effect of missense changes on protein structure and function (SIFT, PolyPhen-2, Align-GVGD) all suggest that this variant is likely to be tolerated. In summary, the available evidence is currently insufficient to determine the role of this variant in disease. Therefore, it has been classified as a Variant of Uncertain Significance.

NM_018297.4(NGLY1):c.1304A>G (p.Gln435Arg)

Gene: NGLY1 (N-glycanase 1; minus strand). Cytogenetic location: 3p24.2.
Variant type: single nucleotide variant.
Coding change: c.1304A>G on transcript NM_018297.4 (MANE Select); coding-DNA position 1304, A replaced by G.
Protein change: p.Gln435Arg; replaces glutamine 435 with arginine.
Molecular consequence: missense variant.
Genome position (GRCh38, 1-based): chr3:25,732,440, T>C on the plus strand (A>G on the coding strand, the complement: NGLY1 is on the minus strand). VCF-style: chr3-25732440-T-C. GRCh37 (hg19) VCF-style: chr3-25773931-T-C.
Other names: c.1250A>G, p.Gln417Arg (NM_001145293.2); c.1178A>G, p.Gln393Arg (NM_001145294.2); c.1304A>G, p.Gln435Arg (NM_001145295.2); short protein forms Q393R, Q417R, Q435R.
Identifiers: ClinVar variation 1016205 (VCV001016205.2), dbSNP rs372323207, ClinGen allele CA2289189.